The following is an entry in ClinVar:

ClinVar aggregate classification (germline): Likely benign (1 of 4 stars; one submission).

Allele frequency attached by ClinVar (database versions not stated): ExAC 0.00003.

Submission:

CeGaT Center for Human Genetics Tuebingen
Classification: Likely benign. Last evaluated: 2025-06-01. Review status: criteria provided, single submitter. Criteria: CeGaT Center For Human Genetics Tuebingen Variant Classification Criteria Version 2. Collection method: clinical testing. Allele origin: germline. Affected: yes. Observed: 3 variant alleles.
Comment: LIAT1: BP4, BP7

NM_001013672.5(LIAT1):c.651C>T (p.Pro217=)

Genes: LIAT1 (ligand of ATE1; plus strand), LOC105371430 (uncharacterized LOC105371430; minus strand). Cytogenetic location: 17p13.3.
Variant type: single nucleotide variant.
Coding change: c.651C>T on transcript NM_001013672.5 (MANE Select); coding-DNA position 651, C replaced by T.
Protein change: p.Pro217=; no amino-acid change (proline 217 retained).
Molecular consequence: synonymous variant.
Genome position (GRCh38, 1-based): chr17:413,494, C>T. VCF-style: chr17-413494-C-T. GRCh37 (hg19) VCF-style: chr17-263285-C-T.
Identifiers: ClinVar variation 2647156 (VCV002647156.24), dbSNP rs879987427, ClinGen allele CA8260637.